The following is an entry in ClinVar:

NM_006766.5(KAT6A):c.2632C>T (p.Arg878Cys)

Gene: KAT6A (lysine acetyltransferase 6A; minus strand). Cytogenetic location: 8p11.21.
Variant type: single nucleotide variant.
Coding change: c.2632C>T on transcript NM_006766.5 (MANE Select); coding-DNA position 2632, C replaced by T.
Protein change: p.Arg878Cys; replaces arginine 878 with cysteine.
Molecular consequence: missense variant.
Genome position (GRCh38, 1-based): chr8:41,941,249, G>A on the plus strand (C>T on the coding strand, the complement: KAT6A is on the minus strand). VCF-style: chr8-41941249-G-A. GRCh37 (hg19) VCF-style: chr8-41798767-G-A.
Other names: short protein forms R878C.
Identifiers: ClinVar variation 1794069 (VCV001794069.7), dbSNP rs558000439, ClinGen allele CA4729866.

ClinVar aggregate classification (germline): Conflicting classifications of pathogenicity. Review status: criteria provided, conflicting classifications (1 of 4 stars). 2 submissions from 2 submitters: Uncertain significance (1); Likely benign (1). Last evaluated 2023-10-24.

Conditions:
Inborn genetic diseases. Identifiers: MedGen C0950123, MeSH D030342.

Allele frequency attached by ClinVar (database versions not stated): ExAC 0.00002; TOPMed 0.00002; gnomAD 0.00003.

Submissions (2):

Ambry Genetics
Classification: Likely benign for Inborn genetic diseases. Last evaluated: 2023-10-24. Review status: criteria provided, single submitter. Criteria: Ambry Variant Classification Scheme 2023. Collection method: clinical testing. Allele origin: germline.

Labcorp Genetics (formerly Invitae), Labcorp
Classification: Uncertain significance. Last evaluated: 2022-12-02. Review status: criteria provided, single submitter. Criteria: Invitae Variant Classification Sherloc (09022015). Collection method: clinical testing. Allele origin: germline.
Comment: In summary, the available evidence is currently insufficient to determine the role of this variant in disease. Therefore, it has been classified as a Variant of Uncertain Significance. Algorithms developed to predict the effect of missense changes on protein structure and function (SIFT, PolyPhen-2, Align-GVGD) all suggest that this variant is likely to be tolerated. This variant has not been reported in the literature in individuals affected with KAT6A-related conditions. This variant is present in population databases (rs558000439, gnomAD 0.003%). This sequence change replaces arginine, which is basic and polar, with cysteine, which is neutral and slightly polar, at codon 878 of the KAT6A protein (p.Arg878Cys).